The following is an entry in ClinVar:

ClinVar aggregate classification (germline): Uncertain significance (1 of 4 stars; one submission).

Conditions:
Hypertrophic cardiomyopathy. Also called: HYPERTROPHIC MYOCARDIOPATHY. Identifiers: Orphanet 217569, MedGen C0007194, MeSH D002312, MONDO:0005045, HP:0001639.

Submission:

Labcorp Genetics (formerly Invitae), Labcorp
Classification: Uncertain significance for Hypertrophic cardiomyopathy. Last evaluated: 2024-09-06. Review status: criteria provided, single submitter. Criteria: Invitae Variant Classification Sherloc (09022015). Collection method: clinical testing. Allele origin: germline.
Comment: This sequence change replaces glutamine, which is neutral and polar, with arginine, which is basic and polar, at codon 149 of the MYOZ2 protein (p.Gln149Arg). This variant is not present in population databases (gnomAD no frequency). This variant has not been reported in the literature in individuals affected with MYOZ2-related conditions. Invitae Evidence Modeling of protein sequence and biophysical properties (such as structural, functional, and spatial information, amino acid conservation, physicochemical variation, residue mobility, and thermodynamic stability) indicates that this missense variant is not expected to disrupt MYOZ2 protein function with a negative predictive value of 80%. In summary, the available evidence is currently insufficient to determine the role of this variant in disease. Therefore, it has been classified as a Variant of Uncertain Significance.

NM_016599.5(MYOZ2):c.446A>G (p.Gln149Arg)

Gene: MYOZ2 (myozenin 2; plus strand). Cytogenetic location: 4q26.
Variant type: single nucleotide variant.
Coding change: c.446A>G on transcript NM_016599.5 (MANE Select); coding-DNA position 446, A replaced by G.
Protein change: p.Gln149Arg; replaces glutamine 149 with arginine.
Molecular consequence: missense variant.
Genome position (GRCh38, 1-based): chr4:119,164,280, A>G. VCF-style: chr4-119164280-A-G. GRCh37 (hg19) VCF-style: chr4-120085435-A-G.
Other names: short protein forms Q149R.
Identifiers: ClinVar variation 3673543 (VCV003673543.2).
Genomic context (GRCh38, chr4:119,164,280, plus strand): 5'-GACCACTGAAGGAAATTCCTCCTGAAAAATTCAACACCACAGCTGTCCCTAAGTACTATC[A>G]ATCTCCCTGGGAACAAGCCATTAGCAATGATCCGGAGCTTTTAGAGGCTTTATATCCTAA-3'
Protein context (NP_057683.1, residues 139-159): FNTTAVPKYY[Gln149Arg]SPWEQAISND